The following is an entry in ClinVar:

NM_024675.4(PALB2):c.3349A>G (p.Arg1117Gly)

Gene: PALB2 (partner and localizer of BRCA2; minus strand). Cytogenetic location: 16p12.2.
Variant type: single nucleotide variant.
Coding change: c.3349A>G on transcript NM_024675.4 (MANE Select); coding-DNA position 3349, A replaced by G.
Protein change: p.Arg1117Gly; replaces arginine 1117 with glycine.
Molecular consequence: missense variant.
Genome position (GRCh38, 1-based): chr16:23,607,865, T>C on the plus strand (A>G on the coding strand, the complement: PALB2 is on the minus strand). VCF-style: chr16-23607865-T-C. GRCh37 (hg19) VCF-style: chr16-23619186-T-C.
Other names: c.3289A>G, p.Arg1097Gly (NM_001407296.1); c.3277A>G, p.Arg1093Gly (NM_001407297.1); c.3187A>G, p.Arg1063Gly (NM_001407298.1); c.3070A>G, p.Arg1024Gly (NM_001407300.1); c.2464A>G, p.Arg822Gly (NM_001407304.1, NM_001407305.1, NM_001407306.1); c.2302A>G, p.Arg768Gly (NM_001407307.1); c.1561A>G, p.Arg521Gly (NM_001407312.1); c.883A>G, p.Arg295Gly (NM_001407314.1); short protein forms R1117G, R768G, R1063G, R295G, R822G, R1024G, R1093G, R1097G.
Identifiers: ClinVar variation 1730484 (VCV001730484.2), dbSNP rs2142271079, ClinGen allele CA395139210.

ClinVar aggregate classification (germline): Uncertain significance (1 of 4 stars; one submission).

Conditions:
Hereditary cancer-predisposing syndrome. Also called: Neoplastic Syndromes, Hereditary; Tumor predisposition; Hereditary Cancer Syndrome; Hereditary neoplastic syndrome. Identifiers: Orphanet 140162, MedGen C0027672, MeSH D009386, MONDO:0015356.

Submission:

Ambry Genetics
Classification: Uncertain significance for Hereditary cancer-predisposing syndrome. Last evaluated: 2020-08-04. Review status: criteria provided, single submitter. Criteria: Ambry Variant Classification Scheme 2023. Collection method: clinical testing. Allele origin: germline.
Comment: The p.R1117G variant (also known as c.3349A>G), located in coding exon 12 of the PALB2 gene, results from an A to G substitution at nucleotide position 3349. The arginine at codon 1117 is replaced by glycine, an amino acid with dissimilar properties. This amino acid position is highly conserved in available vertebrate species. In addition, this alteration is predicted to be tolerated by in silico analysis. Since supporting evidence is limited at this time, the clinical significance of this alteration remains unclear.